The following is an entry in ClinVar:

ClinVar aggregate classification (germline): Likely benign (0 of 4 stars; one submission).

Conditions:
MDN1-related disorder. Also called: MDN1-related condition.

Allele frequency attached by ClinVar (database versions not stated): ExAC 0.00015; TOPMed 0.00022; gnomAD 0.00024; gnomAD exomes 0.00036.
gnomAD v4.1: 565 of 1,603,230 alleles (0.035%); highest among the groups gnomAD compares: Non-Finnish European, 0.045%; 1 homozygote.

Submission:

PreventionGenetics, part of Exact Sciences
Classification: Likely benign for MDN1-related condition. Last evaluated: 2019-10-28. Review status: no assertion criteria provided. Collection method: clinical testing. Allele origin: germline.
Comment: This variant is classified as likely benign based on ACMG/AMP sequence variant interpretation guidelines (Richards et al. 2015 PMID: 25741868, with internal and published modifications).

NM_014611.3(MDN1):c.1335-4G>A

Gene: MDN1 (midasin AAA ATPase 1; minus strand). Cytogenetic location: 6q15.
Variant type: single nucleotide variant.
Coding change: c.1335-4G>A on transcript NM_014611.3 (MANE Select); 4 bases into the intron before coding-DNA position 1335, G replaced by A.
Molecular consequence: intron variant.
Genome position (GRCh38, 1-based): chr6:89,785,130, C>T on the plus strand (G>A on the coding strand, the complement: MDN1 is on the minus strand). VCF-style: chr6-89785130-C-T. GRCh37 (hg19) VCF-style: chr6-90494849-C-T.
Identifiers: ClinVar variation 3053591 (VCV003053591.2), dbSNP rs532471286, ClinGen allele CA3926038.